The following is an entry in ClinVar:

ClinVar aggregate classification (germline): Likely benign (1 of 4 stars; one submission).

Allele frequency attached by ClinVar (database versions not stated): ESP Exome Variant Server 0.00008; gnomAD 0.00011; gnomAD exomes 0.00012; TOPMed 0.00017; ExAC 0.00024.
gnomAD v4.1: 216 of 1,613,782 alleles (0.013%); highest among the groups gnomAD compares: Middle Eastern, 0.099%; no homozygotes.

Submission:

CeGaT Center for Human Genetics Tuebingen
Classification: Likely benign. Last evaluated: 2022-07-01. Review status: criteria provided, single submitter. Criteria: CeGaT Center For Human Genetics Tuebingen Variant Classification Criteria Version 2. Collection method: clinical testing. Allele origin: germline. Affected: yes. Observed: 1 variant allele.
Comment: CRBN: BP4, BP7

NM_016302.4(CRBN):c.411A>C (p.Thr137=)

Gene: CRBN (cereblon; minus strand). Cytogenetic location: 3p26.2.
Variant type: single nucleotide variant.
Coding change: c.411A>C on transcript NM_016302.4 (MANE Select); coding-DNA position 411, A replaced by C.
Protein change: p.Thr137=; no amino-acid change (threonine 137 retained).
Molecular consequence: synonymous variant.
Genome position (GRCh38, 1-based): chr3:3,172,892, T>G on the plus strand (A>C on the coding strand, the complement: CRBN is on the minus strand). VCF-style: chr3-3172892-T-G. GRCh37 (hg19) VCF-style: chr3-3214576-T-G.
Other names: c.408A>C, p.Thr136= (NM_001173482.1).
Identifiers: ClinVar variation 2653445 (VCV002653445.24), dbSNP rs199841185, ClinGen allele CA2229280.